The following is an entry in ClinVar:

NM_015512.5(DNAH1):c.6610A>G (p.Met2204Val)

Gene: DNAH1 (dynein axonemal heavy chain 1; plus strand). Cytogenetic location: 3p21.1.
Variant type: single nucleotide variant.
Coding change: c.6610A>G on transcript NM_015512.5 (MANE Select); coding-DNA position 6610, A replaced by G.
Protein change: p.Met2204Val; replaces methionine 2204 with valine.
Molecular consequence: missense variant.
Genome position (GRCh38, 1-based): chr3:52,372,030, A>G. VCF-style: chr3-52372030-A-G. GRCh37 (hg19) VCF-style: chr3-52406046-A-G.
Other names: short protein forms M2204V.
Identifiers: ClinVar variation 707166 (VCV000707166.34), dbSNP rs199912441, ClinGen allele CA2434569.

ClinVar aggregate classification (germline): Likely benign. Review status: criteria provided, multiple submitters, no conflicts (2 of 4 stars). 4 submissions from 4 submitters: Likely benign (3). 1 of the submissions does not count toward it. Last evaluated 2025-11-06.

Conditions:
DNAH1-related disorder. Also called: DNAH1-related condition.
Spermatogenic failure 18. Identifiers: MedGen C4539783, MONDO:0054615, OMIM 617576.
Ciliary dyskinesia, primary, 37 (CILD37). Also called: CILIARY DYSKINESIA, PRIMARY, 37, WITH OR WITHOUT SITUS INVERSUS. Identifiers: MedGen C4539798, MONDO:0033204, OMIM 617577.

Allele frequency attached by ClinVar (database versions not stated): TOPMed 0.00025; ESP Exome Variant Server 0.00032; 1000 Genomes Project 30x 0.00047; gnomAD 0.00051 and 0.00052; gnomAD exomes 0.00051 and 0.00073; 1000 Genomes Project 0.00060; ExAC 0.00113.
gnomAD v4.1: 825 of 1,613,846 alleles (0.051%); highest among the groups gnomAD compares: Non-Finnish European, 0.044%; 4 homozygotes.

Submissions (4):

Labcorp Genetics (formerly Invitae), Labcorp
Classification: Likely benign for Ciliary dyskinesia, primary, 37; Spermatogenic failure 18. Last evaluated: 2025-11-06. Review status: criteria provided, single submitter. Criteria: Invitae Variant Classification Sherloc (09022015). Collection method: clinical testing. Allele origin: germline.

Blueprint Genetics
Classification: Likely benign. Last evaluated: 2024-08-09. Review status: criteria provided, single submitter. Criteria: ACMG Guidelines, 2015. Collection method: clinical testing. Allele origin: germline.

CeGaT Center for Human Genetics Tuebingen
Classification: Likely benign. Last evaluated: 2023-06-01. Review status: criteria provided, single submitter. Criteria: CeGaT Center For Human Genetics Tuebingen Variant Classification Criteria Version 2. Collection method: clinical testing. Allele origin: germline. Affected: yes. Observed: 1 variant allele.
Comment: DNAH1: BP4, BS2

PreventionGenetics, part of Exact Sciences
Classification: Likely benign for DNAH1-related condition. Last evaluated: 2024-05-29. Review status: no assertion criteria provided. Collection method: clinical testing. Allele origin: germline. Not counted in ClinVar's aggregate classification.
Comment: This variant is classified as likely benign based on ACMG/AMP sequence variant interpretation guidelines (Richards et al. 2015 PMID: 25741868, with internal and published modifications).